The following is an entry in ClinVar:

ClinVar aggregate classification (germline): Uncertain significance (0 of 4 stars; one submission).

Conditions:
MKI67-related disorder. Also called: MKI67-related condition.

Submission:

PreventionGenetics, part of Exact Sciences
Classification: Uncertain significance for MKI67-related condition. Last evaluated: 2024-06-27. Review status: no assertion criteria provided. Collection method: clinical testing. Allele origin: germline.
Comment: The MKI67 c.1153G>T variant is predicted to result in the amino acid substitution p.Ala385Ser. To our knowledge, this variant has not been reported in the literature or in a large population database, indicating this variant is rare. At this time, the clinical significance of this variant is uncertain due to the absence of conclusive functional and genetic evidence.

NM_002417.5(MKI67):c.1153G>T (p.Ala385Ser)

Gene: MKI67 (marker of proliferation Ki-67; minus strand). Cytogenetic location: 10q26.2.
Variant type: single nucleotide variant.
Coding change: c.1153G>T on transcript NM_002417.5 (MANE Select); coding-DNA position 1153, G replaced by T.
Protein change: p.Ala385Ser; replaces alanine 385 with serine.
Molecular consequence: missense variant. On other transcripts: intron variant (1).
Genome position (GRCh38, 1-based): chr10:128,115,255, C>A on the plus strand (G>T on the coding strand, the complement: MKI67 is on the minus strand). VCF-style: chr10-128115255-C-A. GRCh37 (hg19) VCF-style: chr10-129913519-C-A.
Other names: c.400+1236G>T (NM_001145966.2); short protein forms A385S.
Identifiers: ClinVar variation 3344621 (VCV003344621.1).